The following is an entry in ClinVar:

ClinVar aggregate classification (germline): Likely benign. Review status: criteria provided, single submitter (1 of 4 stars). 2 submissions from 2 submitters: Likely benign (1). 1 of the submissions does not count toward it. Last evaluated 2024-07-01.

Conditions:
TMPRSS3-related disorder. Also called: TMPRSS3-related condition.

Allele frequency attached by ClinVar (database versions not stated): gnomAD 0.00009; gnomAD exomes 0.00017 and 0.00023; ExAC 0.00023; TOPMed 0.00024.
gnomAD v4.1: 266 of 1,611,464 alleles (0.017%); highest among the groups gnomAD compares: Admixed American, 0.1%; no homozygotes.

Submissions (2):

Labcorp Genetics (formerly Invitae), Labcorp
Classification: Likely benign. Last evaluated: 2024-07-01. Review status: criteria provided, single submitter. Criteria: Invitae Variant Classification Sherloc (09022015). Collection method: clinical testing. Allele origin: germline.

PreventionGenetics, part of Exact Sciences
Classification: Likely benign for TMPRSS3-related condition. Last evaluated: 2021-02-16. Review status: no assertion criteria provided. Collection method: clinical testing. Allele origin: germline. Not counted in ClinVar's aggregate classification.
Comment: This variant is classified as likely benign based on ACMG/AMP sequence variant interpretation guidelines (Richards et al. 2015 PMID: 25741868, with internal and published modifications).

NM_001256317.3(TMPRSS3):c.322+10T>C

Gene: TMPRSS3 (transmembrane serine protease 3; minus strand). Cytogenetic location: 21q22.3.
Variant type: single nucleotide variant.
Coding change: c.322+10T>C on transcript NM_001256317.3 (MANE Select); 10 bases into the intron after coding-DNA position 322, T replaced by C.
Molecular consequence: intron variant.
Genome position (GRCh38, 1-based): chr21:42,388,919, A>G on the plus strand (T>C on the coding strand, the complement: TMPRSS3 is on the minus strand). VCF-style: chr21-42388919-A-G. GRCh37 (hg19) VCF-style: chr21-43809028-A-G.
Other names: c.322+10T>C (NM_024022.4, NM_032405.2); c.-60+10T>C (NM_032404.3).
Identifiers: ClinVar variation 761719 (VCV000761719.10), dbSNP rs200171775, ClinGen allele CA10042682.